The following is an entry in ClinVar:

ClinVar aggregate classification (germline): Uncertain significance (1 of 4 stars; one submission).

Conditions:
Noonan syndrome 9 (NS9). Identifiers: Orphanet 648, MedGen C4225282, MONDO:0014691, OMIM 616559.

Allele frequency attached by ClinVar (database versions not stated): gnomAD exomes below 0.00001.
gnomAD v4.1: 1 of 1,602,904 alleles (0.000062%); highest among the groups gnomAD compares: South Asian, 0.0011%; no homozygotes.

Submission:

Labcorp Genetics (formerly Invitae), Labcorp
Classification: Uncertain significance for Noonan syndrome 9. Last evaluated: 2023-03-07. Review status: criteria provided, single submitter. Criteria: Invitae Variant Classification Sherloc (09022015). Collection method: clinical testing. Allele origin: germline.
Comment: This sequence change replaces alanine, which is neutral and non-polar, with threonine, which is neutral and polar, at codon 998 of the SOS2 protein (p.Ala998Thr). This variant is not present in population databases (gnomAD no frequency). This variant has not been reported in the literature in individuals affected with SOS2-related conditions. Advanced modeling of protein sequence and biophysical properties (such as structural, functional, and spatial information, amino acid conservation, physicochemical variation, residue mobility, and thermodynamic stability) performed at Invitae indicates that this missense variant is not expected to disrupt SOS2 protein function. In summary, the available evidence is currently insufficient to determine the role of this variant in disease. Therefore, it has been classified as a Variant of Uncertain Significance.

NM_006939.4(SOS2):c.2992G>A (p.Ala998Thr)

Gene: SOS2 (SOS Ras/Rho guanine nucleotide exchange factor 2; minus strand). Cytogenetic location: 14q21.3.
Variant type: single nucleotide variant.
Coding change: c.2992G>A on transcript NM_006939.4 (MANE Select); coding-DNA position 2992, G replaced by A.
Protein change: p.Ala998Thr; replaces alanine 998 with threonine.
Molecular consequence: missense variant.
Genome position (GRCh38, 1-based): chr14:50,134,206, C>T on the plus strand (G>A on the coding strand, the complement: SOS2 is on the minus strand). VCF-style: chr14-50134206-C-T. GRCh37 (hg19) VCF-style: chr14-50600924-C-T.
Other names: c.2893G>A, p.Ala965Thr (NM_001411020.1); short protein forms A965T, A998T.
Identifiers: ClinVar variation 2843279 (VCV002843279.3), dbSNP rs1245944692, ClinGen allele CA389641838.
Genomic context (GRCh38, chr14:50,134,206, plus strand): 5'-TTCGAGGTTCAATTTCTAGTGACTTGTTGAACAAATAATCTGTAAACTCTTTTTCAGATG[C>T]ACTTCCCATGGGGTTAAGGTTTTCAAAGAATCTCTGGAATTAAACAAATAACACAAGTGC-3'
Protein context (NP_008870.2, residues 988-1008): FFENLNPMGS[Ala998Thr]SEKEFTDYLF